The following is an entry in ClinVar:

ClinVar aggregate classification (germline): Likely benign. Review status: criteria provided, single submitter (1 of 4 stars). 2 submissions from 2 submitters: Likely benign (1). 1 of the submissions does not count toward it. Last evaluated 2020-09-16.

Conditions:
GYG2-related disorder. Also called: GYG2-related condition.

Allele frequency attached by ClinVar (database versions not stated): gnomAD exomes 0.00008; gnomAD 0.00015 and 0.00016; ExAC 0.00057.
gnomAD v4.1: 31 of 502,712 alleles (0.0062%); highest among the groups gnomAD compares: Non-Finnish European, 0.0089%; no homozygotes.

Submissions (2):

GeneDx
Classification: Likely benign. Last evaluated: 2020-09-16. Review status: criteria provided, single submitter. Criteria: GeneDx Variant Classification Process June 2021. Collection method: clinical testing. Allele origin: germline. Affected: yes.

PreventionGenetics, part of Exact Sciences
Classification: Likely benign for GYG2-related condition. Last evaluated: 2019-04-03. Review status: no assertion criteria provided. Collection method: clinical testing. Allele origin: germline. Not counted in ClinVar's aggregate classification.
Comment: This variant is classified as likely benign based on ACMG/AMP sequence variant interpretation guidelines (Richards et al. 2015 PMID: 25741868, with internal and published modifications).

NM_001079855.2(GYG2):c.8-181C>G

Gene: GYG2 (glycogenin 2; plus strand). Cytogenetic location: Xp22.33.
Variant type: single nucleotide variant.
Coding change: c.8-181C>G on transcript NM_001079855.2 (MANE Select); 181 bases into the intron before coding-DNA position 8, C replaced by G.
Molecular consequence: intron variant. On other transcripts: synonymous variant (2).
Genome position (GRCh38, 1-based): chrX:2,843,032, C>G. VCF-style: chrX-2843032-C-G. GRCh37 (hg19) VCF-style: chrX-2761073-C-G.
Other names: c.42C>G, p.Leu14= (NM_001184703.2, NM_003918.3); c.8-181C>G (NM_001184702.2); c.-316-10948C>G (NM_001184704.2).
Identifiers: ClinVar variation 1317722 (VCV001317722.4), dbSNP rs765257386, ClinGen allele CA10336970.